The following is an entry in ClinVar:

ClinVar aggregate classification (germline): Uncertain significance (1 of 4 stars; one submission).

Conditions:
Cardiovascular phenotype. Identifiers: MedGen CN230736.

Allele frequency attached by ClinVar (database versions not stated): ExAC 0.00001; ESP Exome Variant Server 0.00008.

Submission:

Ambry Genetics
Classification: Uncertain significance for Cardiovascular phenotype. Last evaluated: 2024-03-04. Review status: criteria provided, single submitter. Criteria: Ambry Variant Classification Scheme 2023. Collection method: clinical testing. Allele origin: germline.
Comment: The p.Q1926E variant (also known as c.5776C>G), located in coding exon 26 of the APOB gene, results from a C to G substitution at nucleotide position 5776. The glutamine at codon 1926 is replaced by glutamic acid, an amino acid with highly similar properties. This amino acid position is conserved. In addition, this alteration is predicted to be tolerated by in silico analysis. Based on the available evidence, the clinical significance of this alteration remains unclear.

NM_000384.3(APOB):c.5776C>G (p.Gln1926Glu)

Gene: APOB (apolipoprotein B; minus strand). Cytogenetic location: 2p24.1.
Variant type: single nucleotide variant.
Coding change: c.5776C>G on transcript NM_000384.3 (MANE Select); coding-DNA position 5776, C replaced by G.
Protein change: p.Gln1926Glu; replaces glutamine 1926 with glutamic acid.
Molecular consequence: missense variant.
Genome position (GRCh38, 1-based): chr2:21,011,092, G>C on the plus strand (C>G on the coding strand, the complement: APOB is on the minus strand). VCF-style: chr2-21011092-G-C. GRCh37 (hg19) VCF-style: chr2-21233964-G-C.
Other names: short protein forms Q1926E.
Identifiers: ClinVar variation 3231431 (VCV003231431.1), dbSNP rs372161502, ClinGen allele CA062497.